The following is an entry in ClinVar:

NM_003072.5(SMARCA4):c.301G>A (p.Gly101Arg)

Gene: SMARCA4 (SWI/SNF related BAF chromatin remodeling complex subunit ATPase 4; plus strand). Cytogenetic location: 19p13.2.
Variant type: single nucleotide variant.
Coding change: c.301G>A on transcript NM_003072.5 (MANE Select); coding-DNA position 301, G replaced by A.
Protein change: p.Gly101Arg; replaces glycine 101 with arginine.
Molecular consequence: missense variant. On other transcripts: non-coding transcript variant (1).
Genome position (GRCh38, 1-based): chr19:10,985,351, G>A. VCF-style: chr19-10985351-G-A. GRCh37 (hg19) VCF-style: chr19-11096027-G-A.
Other names: c.301G>A, p.Gly101Arg (NM_001128848.2, NM_001128849.3, NM_001374457.1 and 6 more transcripts); short protein forms G101R.
Identifiers: ClinVar variation 4170144 (VCV004170144.1).

ClinVar aggregate classification (germline): Uncertain significance (1 of 4 stars; one submission).

Conditions:
Hereditary cancer-predisposing syndrome. Also called: Neoplastic Syndromes, Hereditary; Tumor predisposition; Hereditary Cancer Syndrome; Hereditary neoplastic syndrome. Identifiers: Orphanet 140162, MedGen C0027672, MeSH D009386, MONDO:0015356.

Submission:

Ambry Genetics
Classification: Uncertain significance for Hereditary cancer-predisposing syndrome. Last evaluated: 2025-06-29. Review status: criteria provided, single submitter. Criteria: Ambry Variant Classification Scheme 2023. Collection method: clinical testing. Allele origin: germline.
Comment: The p.G101R variant (also known as c.301G>A), located in coding exon 2 of the SMARCA4 gene, results from a G to A substitution at nucleotide position 301. The glycine at codon 101 is replaced by arginine, an amino acid with dissimilar properties. This amino acid position is conserved. In addition, the in silico prediction for this alteration is inconclusive. Based on the available evidence, the clinical significance of this variant remains unclear.